The following is an entry in ClinVar:

NM_003126.4(SPTA1):c.1637A>G (p.Asp546Gly)

Gene: SPTA1 (spectrin alpha, erythrocytic 1; minus strand). Cytogenetic location: 1q23.1.
Variant type: single nucleotide variant.
Coding change: c.1637A>G on transcript NM_003126.4 (MANE Select); coding-DNA position 1637, A replaced by G.
Protein change: p.Asp546Gly; replaces aspartic acid 546 with glycine.
Molecular consequence: missense variant.
Genome position (GRCh38, 1-based): chr1:158,669,749, T>C on the plus strand (A>G on the coding strand, the complement: SPTA1 is on the minus strand). VCF-style: chr1-158669749-T-C. GRCh37 (hg19) VCF-style: chr1-158639539-T-C.
Other names: short protein forms D546G.
Identifiers: ClinVar variation 3695926 (VCV003695926.2).
Genomic context (GRCh38, chr1:158,669,749, plus strand): 5'-CTCTAGGCCCTTGGACATACCCCGTCACGGATAGCCTTGATGTTCTCTGAATCATAATGG[T>C]CATCACCAATCAATTTGGTTGCAGTCTTGTCTACAGTCTGAAAAAATAAAAATAAAAATG-3'
Protein context (NP_003117.2, residues 536-556): DKTATKLIGD[Asp546Gly]HYDSENIKAI

ClinVar aggregate classification (germline): Uncertain significance (1 of 4 stars; one submission).

Submission:

Labcorp Genetics (formerly Invitae), Labcorp
Classification: Uncertain significance. Last evaluated: 2024-03-10. Review status: criteria provided, single submitter. Criteria: Invitae Variant Classification Sherloc (09022015). Collection method: clinical testing. Allele origin: germline.
Comment: This sequence change replaces aspartic acid, which is acidic and polar, with glycine, which is neutral and non-polar, at codon 546 of the SPTA1 protein (p.Asp546Gly). This variant is not present in population databases (gnomAD no frequency). This variant has not been reported in the literature in individuals affected with SPTA1-related conditions. Advanced modeling of protein sequence and biophysical properties (such as structural, functional, and spatial information, amino acid conservation, physicochemical variation, residue mobility, and thermodynamic stability) performed at Invitae indicates that this missense variant is not expected to disrupt SPTA1 protein function with a negative predictive value of 80%. In summary, the available evidence is currently insufficient to determine the role of this variant in disease. Therefore, it has been classified as a Variant of Uncertain Significance.